The following is an entry in ClinVar:

ClinVar aggregate classification (germline): Pathogenic (1 of 4 stars; one submission).

Conditions:
Hereditary cancer-predisposing syndrome. Also called: Neoplastic Syndromes, Hereditary; Tumor predisposition; Hereditary Cancer Syndrome; Hereditary neoplastic syndrome. Identifiers: Orphanet 140162, MedGen C0027672, MeSH D009386, MONDO:0015356.

Submission:

Ambry Genetics
Classification: Pathogenic for Hereditary cancer-predisposing syndrome. Last evaluated: 2019-06-24. Review status: criteria provided, single submitter. Criteria: Ambry Variant Classification Scheme 2023. Collection method: clinical testing. Allele origin: germline.
Comment: The c.2057_2060delAACA pathogenic mutation, located in coding exon 9 of the BRCA1 gene, results from a deletion of 4 nucleotides at nucleotide positions 2057 to 2060, causing a translational frameshift with a predicted alternate stop codon (p.E686Gfs*14). This alteration is expected to result in loss of function by premature protein truncation or nonsense-mediated mRNA decay. As such, this alteration is interpreted as a disease-causing mutation.

NM_007294.4(BRCA1):c.2057_2060del (p.Glu686fs)

Gene: BRCA1 (BRCA1 DNA repair associated; minus strand). Cytogenetic location: 17q21.31.
Variant type: Deletion.
Coding change: c.2057_2060del on transcript NM_007294.4 (MANE Select); coding-DNA positions 2057 to 2060, 4 bases deleted (AACA; older notation c.2057_2060delAACA).
Protein change: p.Glu686fs; shifts the reading frame from glutamic acid 686.
Molecular consequence: frameshift variant. On other transcripts: intron variant (137).
Genome position (GRCh38, 1-based): chr17:43,093,471-43,093,474, TGTT deleted on the plus strand (AACA on the coding strand, the reverse complement: BRCA1 is on the minus strand). VCF-style (leftmost placement, unchanged base first): chr17-43093470-CTGTT-C. GRCh37 (hg19) VCF-style: chr17-41245487-CTGTT-C.
Other names: c.1847_1850del, p.Glu616fs (NM_001407904.1, NM_001407910.1, NM_001407906.1 and 13 more transcripts); c.1844_1847del, p.Glu615fs (NM_001407918.1, NM_001407915.1, NM_001407916.1 and 9 more transcripts); c.1934_1937del, p.Glu645fs (NM_001407919.1, NM_001407648.1, NM_001407664.1 and 19 more transcripts); c.1793_1796del, p.Glu598fs (NM_001407920.1, NM_001407921.1, NM_001407922.1 and 9 more transcripts); c.577+1270_577+1273del (NM_001408489.1, NM_001408479.1, NM_001408482.1 and 9 more transcripts); c.661+1270_661+1273del (NM_001408445.1, NM_001408432.1, NM_001408450.1 and 6 more transcripts); c.667+2372_667+2375del (NM_001408431.1, NM_001408424.1, NM_001408421.1); c.784+1270_784+1273del (NM_001408407.1, NM_001408402.1, NM_001408473.1 and 13 more transcripts); and 40 more; short protein forms E639fs, E686fs, E390fs, E518fs, E558fs, E619fs, E638fs, E659fs.
Identifiers: ClinVar variation 820614 (VCV000820614.5), dbSNP rs1597872456, ClinGen allele CA915950111.
Genomic context (GRCh38, chr17:43,093,470, plus strand): 5'-ACCAGGTGCATTTGTTAACTTCAGCTCTGGGAAAGTATCGCTGTCATGTCTTTTACTTGT[CTGTT>C]CATTTGGCTTGTTACTCTTCTTGGCTCCAGTTGCAGGTTCTTTACCTTCCATGAGTTGTA-3'